The following is an entry in ClinVar:

NM_007294.4(BRCA1):c.62T>G (p.Ile21Ser)

Gene: BRCA1 (BRCA1 DNA repair associated; minus strand). Cytogenetic location: 17q21.31.
Variant type: single nucleotide variant.
Coding change: c.62T>G on transcript NM_007294.4 (MANE Select); coding-DNA position 62, T replaced by G.
Protein change: p.Ile21Ser; replaces isoleucine 21 with serine.
Molecular consequence: missense variant. On other transcripts: 5 prime UTR variant (1), non-coding transcript variant (1).
Genome position (GRCh38, 1-based): chr17:43,124,035, A>C on the plus strand (T>G on the coding strand, the complement: BRCA1 is on the minus strand). VCF-style: chr17-43124035-A-C. GRCh37 (hg19) VCF-style: chr17-41276052-A-C.
Other names: c.62T>G, p.Ile21Ser (NM_001407969.1, NM_001407970.1, NM_001407971.1 and 193 more transcripts); c.-199T>G (NM_001408410.1, NM_001408452.1, NM_001408462.1 and 22 more transcripts); c.-26T>G (NM_001408454.1, NM_001408459.1, NM_001408460.1 and 23 more transcripts); c.-196T>G (NM_001408455.1, NM_001408456.1, NM_001408468.1 and 11 more transcripts); c.-200T>G (NM_001408465.1, NM_001407695.1); c.-127T>G (NM_001408478.1, NM_001408479.1, NM_001408480.1 and 46 more transcripts); c.-272T>G (NM_001408482.1); c.-243T>G (NM_001408492.1, NM_001407889.1); and 8 more; short protein forms I21S.
Identifiers: ClinVar variation 431195 (VCV000431195.4), dbSNP rs1135401834, ClinGen allele CA10602030.
Genomic context (GRCh38, chr17:43,124,035, plus strand): 5'-ATCATAGGAATCCCAAATTAATACACTCTTGTGCTGACTTACCAGATGGGACACTCTAAG[A>C]TTTTCTGCATAGCATTAATGACATTTTGTACTTCTTCAACGCGAAGAGCAGATAAATCCA-3'
Protein context (NP_009225.1, residues 11-31): VQNVINAMQK[Ile21Ser]LECPICLELI

ClinVar aggregate classification (germline): Uncertain significance (0 of 4 stars; one submission).

Submissions (2):

Research Molecular Genetics Laboratory, Women's College Hospital, University of Toronto
Classification: Uncertain significance. Last evaluated: 2014-01-31. Review status: no assertion criteria provided. Collection method: research. Allele origin: germline. Affected: yes. Study: The Canadian Open Genetics Repository (COGR).

Brotman Baty Institute, University of Washington
No classification provided (evidence only). Condition: Breast-ovarian cancer, familial 1. Review status: no classification provided. Collection method: in vitro. Allele origin: not applicable. Functional consequence: functionally_normal. Not counted in ClinVar's aggregate classification.
ClinVar note: "not provided" was previously submitted as the classification for the variant. However, the classification appeared to be based only on an observation of functional data so it was converted to no classification on 2025-07-30.